The following is an entry in ClinVar:

NM_000489.6(ATRX):c.1529C>G (p.Ser510Cys)

Gene: ATRX (ATRX chromatin remodeler; minus strand). Cytogenetic location: Xq21.1.
Variant type: single nucleotide variant.
Coding change: c.1529C>G on transcript NM_000489.6 (MANE Select); coding-DNA position 1529, C replaced by G.
Protein change: p.Ser510Cys; replaces serine 510 with cysteine.
Molecular consequence: missense variant.
Genome position (GRCh38, 1-based): chrX:77,683,727, G>C on the plus strand (C>G on the coding strand, the complement: ATRX is on the minus strand). VCF-style: chrX-77683727-G-C. GRCh37 (hg19) VCF-style: chrX-76939219-G-C.
Other names: c.1415C>G, p.Ser472Cys (NM_138270.5); c.1529C>G (NM_000489.3); short protein forms S510C, S472C.
Identifiers: ClinVar variation 861159 (VCV000861159.12), dbSNP rs782395967, ClinGen allele CA10458191.

ClinVar aggregate classification (germline): Conflicting classifications of pathogenicity. Review status: criteria provided, conflicting classifications (1 of 4 stars). 3 submissions from 3 submitters: Uncertain significance (2); Likely benign (1). Last evaluated 2025-05-01.

Conditions:
Alpha thalassemia-X-linked intellectual disability syndrome (ATRX). Also called: ATR-X syndrome; Alpha thalassemia mental retardation syndrome, nondeletion type, X-linked; XLMR hypotonic face syndrome; ALPHA-THALASSEMIA/IMPAIRED INTELLECTUAL DEVELOPMENT SYNDROME, X-LINKED; ALPHA-THALASSEMIA/MENTAL RETARDATION SYNDROME, X-LINKED; ATR, NONDELETION TYPE. Identifiers: Orphanet 847, MedGen C1845055, MONDO:0010519, OMIM 301040.

Allele frequency attached by ClinVar (database versions not stated): gnomAD exomes 0.00002; ExAC 0.00003.
gnomAD v4.1: 6 of 1,211,125 alleles (0.0005%); highest among the groups gnomAD compares: Non-Finnish European, 0.00045%; no homozygotes.

Submissions (3):

GeneDx
Classification: Uncertain significance. Last evaluated: 2025-05-01. Review status: criteria provided, single submitter. Criteria: GeneDx Variant Classification Process June 2021. Collection method: clinical testing. Allele origin: germline. Affected: yes.
Comment: Not observed at significant frequency in large population cohorts (gnomAD); In silico analysis indicates that this missense variant does not alter protein structure/function; Has not been previously published as pathogenic or benign to our knowledge; This variant is associated with the following publications: (PMID: 32703503)

Labcorp Genetics (formerly Invitae), Labcorp
Classification: Likely benign for Alpha thalassemia-X-linked intellectual disability syndrome. Last evaluated: 2023-07-07. Review status: criteria provided, single submitter. Criteria: Invitae Variant Classification Sherloc (09022015). Collection method: clinical testing. Allele origin: germline.

Blueprint Genetics
Classification: Uncertain significance. Last evaluated: 2020-06-08. Review status: criteria provided, single submitter. Criteria: ACMG Guidelines, 2015. Collection method: clinical testing. Allele origin: germline.